The following is an entry in ClinVar:

ClinVar aggregate classification (germline): Likely pathogenic. Review status: criteria provided, multiple submitters, no conflicts (2 of 4 stars). 3 submissions from 3 submitters: Likely pathogenic (2). 1 of the submissions does not count toward it. Last evaluated 2025-07-10.

Conditions:
Autosomal recessive ataxia due to ubiquinone deficiency. Also called: SPINOCEREBELLAR ATAXIA, AUTOSOMAL RECESSIVE 9; Coenzyme Q10 deficiency, primary, 4. Identifiers: Orphanet 139485, MedGen C2677589, MONDO:0012784, OMIM 612016.

Allele frequency attached by ClinVar (database versions not stated): gnomAD exomes below 0.00001 and 0.00002; ExAC 0.00002.

Submissions (3):

Women's Health and Genetics/Laboratory Corporation of America, LabCorp
Classification: Likely pathogenic for Autosomal recessive ataxia due to ubiquinone deficiency. Last evaluated: 2025-07-10. Review status: criteria provided, single submitter. Criteria: LabCorp Variant Classification Summary - May 2015. Collection method: clinical testing. Allele origin: germline.
Comment: Variant summary: COQ8A c.830T>C (p.Leu277Pro) results in a non-conservative amino acid change located in the highly conserved KxGQ motif (amino acids 276-279; PMID 25498144), where other variants have been shown to abolish CoQ production in a yeast expression system (PMID 25498144). Algorithms developed to predict the effect of missense changes on protein structure and function all suggest that this variant is likely to be disruptive. The variant allele was found at a frequency of 4.4e-06 in 226920 control chromosomes (gnomAD). c.830T>C has been observed in the compound heterozygous state in 2 related individuals affected with Autosomal Recessive Ataxia Due To Ubiquinone Deficiency (Jacobsen_2018). These data indicate that the variant may be associated with disease. At least one publication reported experimental evidence evaluating an impact on protein function, and demonstrated that the Drosophila analogue of Leu277Pro (i.e. I295P) had reduced expression levels, and was unable to rescue deficits in this disease model system (Hura_2022). The following publications have been ascertained in the context of this evaluation (PMID: 29159460, 29255295, 34638552, 31621627, 37476682, 35139868). ClinVar contains an entry for this variant (Variation ID: 392924). Based on the evidence outlined above, the variant was classified as likely pathogenic.

GeneDx
Classification: Likely pathogenic. Last evaluated: 2017-01-23. Review status: criteria provided, single submitter. Criteria: GeneDx Variant Classification (06012015). Collection method: clinical testing. Allele origin: germline. Affected: yes.
Comment: The L277P variant in the ADCK3 gene has not been reported previously as a pathogenic variant, nor as a benign variant, to our knowledge. The L277P variant was not observed in approximately 6,500 individuals of European and African American ancestry in the NHLBI Exome Sequencing Project, indicating it is not a common benign variant in these populations. The L277P variant is a semi-conservative amino acid substitution, which may impact secondary protein structure as these residues differ in some properties. This substitution occurs at a position that is conserved across species. In silico analysis predicts this variant is probably damaging to the protein structure/function. Therefore, we interpret L277P as a likely pathogenic variant.

Applied Translational Genetics Group, University of Auckland
Classification: Pathogenic for Autosomal recessive ataxia due to ubiquinone deficiency. Last evaluated: 2017-08-21. Review status: no assertion criteria provided. Collection method: research. Allele origin: paternal. Affected: yes. Observed: 2 compound heterozygotes. Not counted in ClinVar's aggregate classification.

Literature cited by the submitters: PubMed 29255295 (cited by Women's Health and Genetics/Laboratory Corporation of America, LabCorp); PubMed 34638552 (cited by Women's Health and Genetics/Laboratory Corporation of America, LabCorp); PubMed 31621627 (cited by Women's Health and Genetics/Laboratory Corporation of America, LabCorp); PubMed 37476682 (cited by Women's Health and Genetics/Laboratory Corporation of America, LabCorp); PubMed 35139868 (cited by Women's Health and Genetics/Laboratory Corporation of America, LabCorp); PubMed 29159460 (cited by Women's Health and Genetics/Laboratory Corporation of America, LabCorp).

NM_020247.5(COQ8A):c.830T>C (p.Leu277Pro)

Gene: COQ8A (coenzyme Q8A; plus strand). Cytogenetic location: 1q42.13.
Variant type: single nucleotide variant.
Coding change: c.830T>C on transcript NM_020247.5 (MANE Select); coding-DNA position 830, T replaced by C.
Protein change: p.Leu277Pro; replaces leucine 277 with proline.
Molecular consequence: missense variant.
Genome position (GRCh38, 1-based): chr1:226,982,126, T>C. VCF-style: chr1-226982126-T-C. GRCh37 (hg19) VCF-style: chr1-227169827-T-C.
Other names: short protein forms L277P.
Identifiers: ClinVar variation 392924 (VCV000392924.5), dbSNP rs781518112, ClinGen allele CA1425169.